The following is an entry in ClinVar:

ClinVar aggregate classification (germline): Likely pathogenic (1 of 4 stars; one submission).

Conditions:
Polycystic kidney disease, adult type (PKD1). Also called: POLYCYSTIC KIDNEY DISEASE, ADULT, TYPE I; Polycystic Kidney Disease 1, Autosomal Dominant; Polycystic kidney disease 1; Polycystic kidney disease 1, severe; Polycystic Kidney, Autosomal Dominant; POLYCYSTIC KIDNEY DISEASE 1 WITH OR WITHOUT POLYCYSTIC LIVER DISEASE. Identifiers: MedGen C3149841, MONDO:0008263, OMIM 173900.

Submission:

Neuberg Centre For Genomic Medicine, NCGM
Classification: Likely pathogenic for Polycystic kidney disease, adult type. Last evaluated: 2023-06-22. Review status: criteria provided, single submitter. Criteria: ACMG Guidelines, 2015. Collection method: clinical testing. Allele origin: germline. Inheritance: Autosomal dominant inheritance. Affected: yes.
Comment: The frame shift c.3999del(p.Ser1334ProfsTer12) variant in PKD1 gene has not been reported previously as a pathogenic variant nor as a benign variant, to our knowledge. The observed variant is absent in gnomAD exomes database. This variant has not been submitted to the ClinVar database. This variant causes a frameshift starting with codon Serine 1334, changes this amino acid to Proline residue, and creates a premature Stop codon at position 12 of the new reading frame, denoted p.Ser1334ProfsTer12. This variant is predicted to cause loss of normal protein function through protein truncation. Loss of function variants have been previously reported to be disease causing. For these reasons, this variant has been classified as Likely Pathogenic.

NM_001009944.3(PKD1):c.3999del (p.Ser1334fs)

Gene: PKD1 (polycystin 1, transient receptor potential channel interacting; minus strand). Cytogenetic location: 16p13.3.
Variant type: Deletion.
Coding change: c.3999del on transcript NM_001009944.3 (MANE Select); coding-DNA position 3999, one base deleted (C; older notation c.3999delC).
Protein change: p.Ser1334fs; shifts the reading frame from serine 1334.
Molecular consequence: frameshift variant.
Genome position (GRCh38, 1-based): chr16:2,111,168, G deleted on the plus strand (C on the coding strand, the reverse complement: PKD1 is on the minus strand). VCF-style (leftmost placement, unchanged base first): chr16-2111167-AG-A. GRCh37 (hg19) VCF-style: chr16-2161168-AG-A.
Other names: c.3999del, p.Ser1334fs (NM_000296.4); short protein forms S1334fs.
Identifiers: ClinVar variation 3377603 (VCV003377603.1).